The following is an entry in ClinVar:

NM_006642.5(SDCCAG8):c.46C>T (p.Gln16Ter)

Gene: SDCCAG8 (SHH signaling and ciliogenesis regulator SDCCAG8; plus strand). Cytogenetic location: 1q43.
Variant type: single nucleotide variant.
Coding change: c.46C>T on transcript NM_006642.5 (MANE Select); coding-DNA position 46, C replaced by T.
Protein change: p.Gln16Ter; replaces glutamine 16 with a stop codon.
Molecular consequence: nonsense. On other transcripts: 5 prime UTR variant (4).
Genome position (GRCh38, 1-based): chr1:243,256,219, C>T. VCF-style: chr1-243256219-C-T. GRCh37 (hg19) VCF-style: chr1-243419521-C-T.
Other names: c.-1067C>T (NM_001350246.2); c.-955C>T (NM_001350247.2); c.46C>T, p.Gln16Ter (NM_001350248.2); c.-262C>T (NM_001350249.2); c.-1328C>T (NM_001350251.2); short protein forms Q16*.
Identifiers: ClinVar variation 1918532 (VCV001918532.5), dbSNP rs1270412613, ClinGen allele CA345478185.
Genomic context (GRCh38, chr1:243,256,219, plus strand): 5'-GCCTAGAGTGCGTGCATGGCGAAGTCCCCGGAGAACTCTACCCTGGAGGAGATTCTGGGG[C>T]AGTATCAACGGAGTCTCCGGGGTGAGTTGCTCCAAACCTCTGTCCCTAGCCCCGAGGTGC-3'

ClinVar aggregate classification (germline): Pathogenic (1 of 4 stars; one submission).

Conditions:
Bardet-Biedl syndrome 16 (BBS16). Identifiers: Orphanet 110, MedGen C3889474, MONDO:0014444, OMIM 615993.
Senior-Loken syndrome 7 (SLSN7). Identifiers: Orphanet 3156, MedGen C3150877, MONDO:0013326, OMIM 613615.

Submission:

Labcorp Genetics (formerly Invitae), Labcorp
Classification: Pathogenic for Bardet-Biedl syndrome 16; Senior-Loken syndrome 7. Last evaluated: 2022-05-27. Review status: criteria provided, single submitter. Criteria: Invitae Variant Classification Sherloc (09022015). Collection method: clinical testing. Allele origin: germline.
Comment: This sequence change creates a premature translational stop signal (p.Gln16*) in the SDCCAG8 gene. It is expected to result in an absent or disrupted protein product. Loss-of-function variants in SDCCAG8 are known to be pathogenic (PMID: 20835237, 22190896). This variant is not present in population databases (gnomAD no frequency). This variant has not been reported in the literature in individuals affected with SDCCAG8-related conditions. For these reasons, this variant has been classified as Pathogenic.

Literature cited by the submitters: PubMed 20835237; PubMed 22190896.